The following is an entry in ClinVar:

ClinVar aggregate classification (germline): Conflicting classifications of pathogenicity. Review status: criteria provided, conflicting classifications (1 of 4 stars). 2 submissions from 2 submitters: Uncertain significance (1); Likely benign (1). Last evaluated 2024-12-30.

Conditions:
Ehlers-Danlos syndrome, classic type, 1 (EDSCL1). Also called: EHLERS-DANLOS SYNDROME, GRAVIS TYPE; EHLERS-DANLOS SYNDROME, SEVERE CLASSIC TYPE; Ehlers-Danlos syndrome, type 1; Ehlers-Danlos Syndrome, Classic Type, COL5A1-Related; EDS I. Identifiers: MedGen C0268335, MONDO:0019567, OMIM 130000.

gnomAD v4.1: 4 of 1,614,082 alleles (0.00025%); highest among the groups gnomAD compares: Non-Finnish European, 0.00034%; no homozygotes.

Submissions (2):

GeneDx
Classification: Uncertain significance. Last evaluated: 2024-12-30. Review status: criteria provided, single submitter. Criteria: GeneDx Variant Classification Process June 2021. Collection method: clinical testing. Allele origin: germline. Affected: yes.
Comment: Has not been previously published as pathogenic or benign to our knowledge; Not observed at significant frequency in large population cohorts (gnomAD); In silico analysis indicates that this missense variant does not alter protein structure/function; Not located in the triple helical region, where the majority of pathogenic missense variants occur (PMID: 22696272; HGMD); This variant is associated with the following publications: (PMID: 22696272)

Labcorp Genetics (formerly Invitae), Labcorp
Classification: Likely benign for Ehlers-Danlos syndrome, classic type, 1. Last evaluated: 2024-12-23. Review status: criteria provided, single submitter. Criteria: Invitae Variant Classification Sherloc (09022015). Collection method: clinical testing. Allele origin: germline.

NM_000093.5(COL5A1):c.5468C>A (p.Ala1823Glu)

Genes: COL5A1 (collagen type V alpha 1 chain; plus strand), LOC101448202 (uncharacterized LOC101448202; minus strand). Cytogenetic location: 9q34.3.
Variant type: single nucleotide variant.
Coding change: c.5468C>A on transcript NM_000093.5 (MANE Select); coding-DNA position 5468, C replaced by A.
Protein change: p.Ala1823Glu; replaces alanine 1823 with glutamic acid.
Molecular consequence: missense variant.
Genome position (GRCh38, 1-based): chr9:134,842,254, C>A. VCF-style: chr9-134842254-C-A. GRCh37 (hg19) VCF-style: chr9-137734100-C-A.
Other names: c.5468C>A (NM_000093.3); c.5468C>A, p.Ala1823Glu (NM_001278074.1); short protein forms A1823E.
Identifiers: ClinVar variation 2793571 (VCV002793571.4), dbSNP rs747656987, ClinGen allele CA375462024.